The following is an entry in ClinVar:

ClinVar aggregate classification (germline): Uncertain significance (1 of 4 stars; one submission).

Conditions:
Schimke immuno-osseous dysplasia (SIOD). Also called: Schimke Immunoosseous Dysplasia. Identifiers: Orphanet 1830, MedGen C0877024, MONDO:0009458, OMIM 242900.

Submission:

Labcorp Genetics (formerly Invitae), Labcorp
Classification: Uncertain significance for Schimke immuno-osseous dysplasia. Last evaluated: 2021-04-02. Review status: criteria provided, single submitter. Criteria: Invitae Variant Classification Sherloc (09022015). Collection method: clinical testing. Allele origin: germline.
Comment: This sequence change replaces leucine with proline at codon 637 of the SMARCAL1 protein (p.Leu637Pro). The leucine residue is highly conserved and there is a moderate physicochemical difference between leucine and proline. In summary, the available evidence is currently insufficient to determine the role of this variant in disease. Therefore, it has been classified as a Variant of Uncertain Significance. Algorithms developed to predict the effect of missense changes on protein structure and function are either unavailable or do not agree on the potential impact of this missense change (SIFT: "Deleterious"; PolyPhen-2: "Probably Damaging"; Align-GVGD: "Class C0"). This variant has been observed in individual(s) with clinical features of Schimke immuno-osseous dysplasia (PMID: 30635151). This variant is not present in population databases (ExAC no frequency).

Literature cited by the submitters: PubMed 30635151.

NM_014140.4(SMARCAL1):c.1910T>C (p.Leu637Pro)

Gene: SMARCAL1 (SNF2 related chromatin remodeling annealing helicase 1; plus strand). Cytogenetic location: 2q35.
Variant type: single nucleotide variant.
Coding change: c.1910T>C on transcript NM_014140.4 (MANE Select); coding-DNA position 1910, T replaced by C.
Protein change: p.Leu637Pro; replaces leucine 637 with proline.
Molecular consequence: missense variant.
Genome position (GRCh38, 1-based): chr2:216,450,904, T>C. VCF-style: chr2-216450904-T-C. GRCh37 (hg19) VCF-style: chr2-217315627-T-C.
Other names: c.1910T>C, p.Leu637Pro (NM_001127207.2); short protein forms L637P.
Identifiers: ClinVar variation 1410109 (VCV001410109.8), dbSNP rs2106055162, ClinGen allele CA350502015.